The following is an entry in ClinVar:

NM_001253697.2(ERBIN):c.2793del (p.Ser932fs)

Gene: ERBIN (erbb2 interacting protein; plus strand). Cytogenetic location: 5q12.3.
Variant type: Deletion.
Coding change: c.2793del on transcript NM_001253697.2 (MANE Select); coding-DNA position 2793, one base deleted (C; older notation c.2793delC).
Protein change: p.Ser932fs; shifts the reading frame from serine 932.
Molecular consequence: frameshift variant.
Genome position (GRCh38, 1-based): chr5:66,054,111, C deleted; the last of 2 consecutive C bases (chr5:66,054,110-66,054,111); deleting either gives the same sequence. VCF-style (leftmost placement, unchanged base first): chr5-66054109-TC-T. GRCh37 (hg19) VCF-style: chr5-65349937-TC-T.
Other names: c.2793del, p.Ser932fs (NM_001006600.3, NM_001253698.2, NM_001253699.2 and 1 more transcripts); c.2781del, p.Ser928fs (NM_001253701.2); short protein forms S928fs, S932fs.
Identifiers: ClinVar variation 4800167 (VCV004800167.1).

ClinVar aggregate classification (germline): Uncertain significance (1 of 4 stars; one submission).

Submission:

Labcorp Genetics (formerly Invitae), Labcorp
Classification: Uncertain significance. Last evaluated: 2026-01-21. Review status: criteria provided, single submitter. Criteria: Invitae Variant Classification Sherloc (09022015). Collection method: clinical testing. Allele origin: germline.
Comment: This sequence change creates a premature translational stop signal (p.Ser932Hisfs*5) in the ERBIN gene. It is expected to result in an absent or disrupted protein product. However, the current clinical and genetic evidence is not sufficient to establish whether loss-of-function variants in ERBIN cause disease. This variant is not present in population databases (gnomAD no frequency). This variant has not been reported in the literature in individuals affected with ERBIN-related conditions. In summary, the available evidence is currently insufficient to determine the role of this variant in disease. Therefore, it has been classified as a Variant of Uncertain Significance.